The following is an entry in ClinVar:

NM_022828.5(YTHDC2):c.2004C>T (p.Ser668=)

Gene: YTHDC2 (YTH N6-methyladenosine RNA binding protein C2; plus strand). Cytogenetic location: 5q22.2.
Variant type: single nucleotide variant.
Coding change: c.2004C>T on transcript NM_022828.5 (MANE Select); coding-DNA position 2004, C replaced by T.
Protein change: p.Ser668=; no amino-acid change (serine 668 retained).
Molecular consequence: synonymous variant.
Genome position (GRCh38, 1-based): chr5:113,553,806, C>T. VCF-style: chr5-113553806-C-T. GRCh37 (hg19) VCF-style: chr5-112889503-C-T.
Other names: c.1518C>T, p.Ser506= (NM_001345975.2); c.1104C>T, p.Ser368= (NM_001345976.2).
Identifiers: ClinVar variation 3350270 (VCV003350270.1).

ClinVar aggregate classification (germline): Likely benign (0 of 4 stars; one submission).

Conditions:
YTHDC2-related disorder. Also called: YTHDC2-related condition.

gnomAD v4.1: 16 of 1,612,090 alleles (0.00099%); highest among the groups gnomAD compares: South Asian, 0.011%; no homozygotes.

Submission:

PreventionGenetics, part of Exact Sciences
Classification: Likely benign for YTHDC2-related condition. Last evaluated: 2019-06-05. Review status: no assertion criteria provided. Collection method: clinical testing. Allele origin: germline.
Comment: This variant is classified as likely benign based on ACMG/AMP sequence variant interpretation guidelines (Richards et al. 2015 PMID: 25741868, with internal and published modifications).